The following is an entry in ClinVar:

ClinVar aggregate classification (germline): Uncertain significance (1 of 4 stars; one submission).

Conditions:
Progressive familial intrahepatic cholestasis type 3. Also called: MDR3 DEFICIENCY; Low Gamma-GT Familial Intrahepatic Cholestasis. Identifiers: Orphanet 79305, MedGen C1865643, MONDO:0011214, OMIM 602347.
Cholestasis, intrahepatic, of pregnancy, 3. Identifiers: Orphanet 69665, MedGen C3554241, MONDO:0013995, OMIM 614972.
Low phospholipid associated cholelithiasis (GBD1). Also called: Gallstone cholecystitis; Gallbladder disease 1. Identifiers: Orphanet 69663, MedGen C2609268, MONDO:0010939, OMIM 600803.

gnomAD v4.1: 9 of 1,614,196 alleles (0.00056%); highest among the groups gnomAD compares: Non-Finnish European, 0.00076%; no homozygotes.

Submission:

Juno Genomics, Hangzhou Juno Genomics, Inc
Classification: Uncertain significance for Cholestasis, intrahepatic, of pregnancy, 3; Progressive familial intrahepatic cholestasis type 3; Low phospholipid associated cholelithiasis. Review status: criteria provided, single submitter. Criteria: ACMG Guidelines, 2015. Collection method: clinical testing. Allele origin: germline.
Comment: Absent from controls (or at extremely low frequency if recessive) in Genome Aggregation Database.;Missense variant in a gene that has a low rate of benign missense variation.;Multiple lines of computational evidence support a deleterious effect on the gene or gene product.

NM_000443.4(ABCB4):c.3365T>C (p.Phe1122Ser)

Gene: ABCB4 (ATP binding cassette subfamily B member 4; minus strand). Cytogenetic location: 7q21.12.
Variant type: single nucleotide variant.
Coding change: c.3365T>C on transcript NM_000443.4 (MANE Select); coding-DNA position 3365, T replaced by C.
Protein change: p.Phe1122Ser; replaces phenylalanine 1122 with serine.
Molecular consequence: missense variant.
Genome position (GRCh38, 1-based): chr7:87,406,409, A>G on the plus strand (T>C on the coding strand, the complement: ABCB4 is on the minus strand). VCF-style: chr7-87406409-A-G. GRCh37 (hg19) VCF-style: chr7-87035725-A-G.
Other names: c.3386T>C, p.Phe1129Ser (NM_018849.3); c.3224T>C, p.Phe1075Ser (NM_018850.3); short protein forms F1122S, F1129S, F1075S.
Identifiers: ClinVar variation 5007232 (VCV005007232.2).